The following is an entry in ClinVar:

ClinVar aggregate classification (germline): Uncertain significance (1 of 4 stars; one submission).

Allele frequency attached by ClinVar (database versions not stated): gnomAD exomes below 0.00001; ExAC 0.00001; gnomAD 0.00002; TOPMed 0.00002.
gnomAD v4.1: 10 of 1,613,148 alleles (0.00062%); highest among the groups gnomAD compares: Non-Finnish European, 0.00059%; no homozygotes.

Submission:

Labcorp Genetics (formerly Invitae), Labcorp
Classification: Uncertain significance. Last evaluated: 2025-08-13. Review status: criteria provided, single submitter. Criteria: Invitae Variant Classification Sherloc (09022015). Collection method: clinical testing. Allele origin: germline.
Comment: This sequence change replaces isoleucine, which is neutral and non-polar, with threonine, which is neutral and polar, at codon 582 of the GUF1 protein (p.Ile582Thr). This variant is present in population databases (rs767629572, gnomAD 0.002%). This variant has not been reported in the literature in individuals affected with GUF1-related conditions. ClinVar contains an entry for this variant (Variation ID: 2200068). An algorithm developed to predict the effect of missense changes on protein structure and function (PolyPhen-2) suggests that this variant is likely to be tolerated. In summary, the available evidence is currently insufficient to determine the role of this variant in disease. Therefore, it has been classified as a Variant of Uncertain Significance.

NM_021927.3(GUF1):c.1745T>C (p.Ile582Thr)

Gene: GUF1 (GTP binding elongation factor GUF1; plus strand). Cytogenetic location: 4p12.
Variant type: single nucleotide variant.
Coding change: c.1745T>C on transcript NM_021927.3 (MANE Select); coding-DNA position 1745, T replaced by C.
Protein change: p.Ile582Thr; replaces isoleucine 582 with threonine.
Molecular consequence: missense variant. On other transcripts: intron variant (1).
Genome position (GRCh38, 1-based): chr4:44,695,644, T>C. VCF-style: chr4-44695644-T-C. GRCh37 (hg19) VCF-style: chr4-44697661-T-C.
Other names: c.773T>C, p.Ile258Thr (NM_001345867.2, NM_001345869.2); c.1715+1131T>C (NM_001345868.2); short protein forms I582T, I258T.
Identifiers: ClinVar variation 2200068 (VCV002200068.4), dbSNP rs767629572, ClinGen allele CA2905748.
Genomic context (GRCh38, chr4:44,695,644, plus strand): 5'-ATATATAAACAGTTGTATTTTTCTGTCTCAGAGACAAAGCTCATTCAATTGGCAAAGCCA[T>C]ATGTGAACGGCTGAAGGATTCTCTTCCTAGGCAACTGTTTGAGATAGCAATTCAAGCTGC-3'
Protein context (NP_068746.2, residues 572-592): KDKAHSIGKA[Ile582Thr]CERLKDSLPR